The following is an entry in ClinVar:

NM_001036.6(RYR3):c.13103A>C (p.Glu4368Ala)

Gene: RYR3 (ryanodine receptor 3; plus strand). Cytogenetic location: 15q14.
Variant type: single nucleotide variant.
Coding change: c.13103A>C on transcript NM_001036.6 (MANE Select); coding-DNA position 13103, A replaced by C.
Protein change: p.Glu4368Ala; replaces glutamic acid 4368 with alanine.
Molecular consequence: missense variant.
Genome position (GRCh38, 1-based): chr15:33,841,929, A>C. VCF-style: chr15-33841929-A-C. GRCh37 (hg19) VCF-style: chr15-34134130-A-C.
Other names: c.13088A>C, p.Glu4363Ala (NM_001243996.4); short protein forms E4363A, E4368A.
Identifiers: ClinVar variation 846038 (VCV000846038.9), dbSNP rs372365285, ClinGen allele CA7461552.

ClinVar aggregate classification (germline): Uncertain significance (1 of 4 stars; one submission).

Conditions:
Epileptic encephalopathy. Identifiers: MedGen C0543888, HP:0200134.

Allele frequency attached by ClinVar (database versions not stated): gnomAD exomes 0.00001 and 0.00002; gnomAD 0.00002; TOPMed 0.00003; ExAC 0.00004; ESP Exome Variant Server 0.00008.
gnomAD v4.1: 19 of 1,599,262 alleles (0.0012%); highest among the groups gnomAD compares: Non-Finnish European, 0.0015%; no homozygotes.

Submission:

Labcorp Genetics (formerly Invitae), Labcorp
Classification: Uncertain significance for Epileptic encephalopathy. Last evaluated: 2019-02-04. Review status: criteria provided, single submitter. Criteria: Invitae Variant Classification Sherloc (09022015). Collection method: clinical testing. Allele origin: germline.
Comment: In summary, the available evidence is currently insufficient to determine the role of this variant in disease. Therefore, it has been classified as a Variant of Uncertain Significance. Algorithms developed to predict the effect of missense changes on protein structure and function (SIFT, PolyPhen-2, Align-GVGD) all suggest that this variant is likely to be tolerated, but these predictions have not been confirmed by published functional studies and their clinical significance is uncertain. This variant has not been reported in the literature in individuals with RYR3-related conditions. This variant is present in population databases (rs372365285, ExAC 0.007%). This sequence change replaces glutamic acid with alanine at codon 4368 of the RYR3 protein (p.Glu4368Ala). The glutamic acid residue is weakly conserved and there is a moderate physicochemical difference between glutamic acid and alanine.